The following is an entry in ClinVar:

NM_024757.5(EHMT1):c.3238A>C (p.Met1080Leu)

Gene: EHMT1 (euchromatic histone lysine methyltransferase 1; plus strand). Cytogenetic location: 9q34.3.
Variant type: single nucleotide variant.
Coding change: c.3238A>C on transcript NM_024757.5 (MANE Select); coding-DNA position 3238, A replaced by C.
Protein change: p.Met1080Leu; replaces methionine 1080 with leucine.
Molecular consequence: missense variant.
Genome position (GRCh38, 1-based): chr9:137,814,488, A>C. VCF-style: chr9-137814488-A-C. GRCh37 (hg19) VCF-style: chr9-140708940-A-C.
Other names: c.3217A>C, p.Met1073Leu (NM_001354263.2); short protein forms M1073L, M1080L.
Identifiers: ClinVar variation 1675168 (VCV001675168.2), dbSNP rs1339725731, ClinGen allele CA375794995.

ClinVar aggregate classification (germline): Uncertain significance (1 of 4 stars; one submission).

Conditions:
Kleefstra syndrome 1 (KLEFS1). Identifiers: Orphanet 261494, MedGen C0795833, MONDO:0027407, OMIM 610253.

Submission:

Center for Genomics, Ann and Robert H. Lurie Children's Hospital of Chicago
Classification: Uncertain significance for Kleefstra syndrome 1. Last evaluated: 2021-12-21. Review status: criteria provided, single submitter. Criteria: ACMG Guidelines, 2015. Collection method: clinical testing. Allele origin: germline.
Comment: This variant has not been reported in the literature and is not present in large control databases. Evolutionary conservation and computational predictive tools suggest that this variant may not impact the protein. In summary, data on this variant is insufficient for disease classification. Therefore, the clinical significance of this variant is uncertain.